The following is an entry in ClinVar:

NM_001355613.1(CPHXL):c.51T>C (p.His17=)

Gene: CPHXL (cytoplasmic polyadenylated homeobox like; minus strand). Cytogenetic location: 16q23.1.
Variant type: single nucleotide variant.
Coding change: c.51T>C on transcript NM_001355613.1 (MANE Select); coding-DNA position 51, T replaced by C.
Protein change: p.His17=; no amino-acid change (histidine 17 retained).
Molecular consequence: synonymous variant.
Genome position (GRCh38, 1-based): chr16:75,718,433, A>G on the plus strand (T>C on the coding strand, the complement: CPHXL is on the minus strand). VCF-style: chr16-75718433-A-G. GRCh37 (hg19) VCF-style: chr16-75752331-A-G.
Identifiers: ClinVar variation 4534571 (VCV004534571.6).

ClinVar aggregate classification (germline): Likely benign (1 of 4 stars; one submission).

gnomAD v4.1: 36 of 398,548 alleles (0.009%); highest among the groups gnomAD compares: African/African-American, 0.066%; no homozygotes.

Submission:

CeGaT Center for Human Genetics Tuebingen
Classification: Likely benign. Last evaluated: 2025-10-01. Review status: criteria provided, single submitter. Criteria: CeGaT Center For Human Genetics Tuebingen Variant Classification Criteria Version 2. Collection method: clinical testing. Allele origin: germline. Affected: yes. Observed: 1 variant allele.
Comment: CPHXL: BP4, BP7